The following is an entry in ClinVar:

NM_177438.3(DICER1):c.1288C>T (p.Pro430Ser)

Gene: DICER1 (dicer 1, ribonuclease III; minus strand). Cytogenetic location: 14q32.13.
Variant type: single nucleotide variant.
Coding change: c.1288C>T on transcript NM_177438.3 (MANE Select); coding-DNA position 1288, C replaced by T.
Protein change: p.Pro430Ser; replaces proline 430 with serine.
Molecular consequence: missense variant.
Genome position (GRCh38, 1-based): chr14:95,124,284, G>A on the plus strand (C>T on the coding strand, the complement: DICER1 is on the minus strand). VCF-style: chr14-95124284-G-A. GRCh37 (hg19) VCF-style: chr14-95590621-G-A.
Other names: c.1288C>T, p.Pro430Ser (NM_001195573.1, NM_001271282.3, NM_001291628.2 and 1 more transcripts); short protein forms P430S.
Identifiers: ClinVar variation 1016271 (VCV001016271.12), dbSNP rs1060503601, ClinGen allele CA390886315.
Genomic context (GRCh38, chr14:95,124,284, plus strand): 5'-TTTCCACAAAAATAATTCCGCACAAAATGTTGGTAAAAGGAGAAGGAAAATTTGTCTCTG[G>A]CTTCTCTTTTTCTTCAATTTCTTCATCCTCATCATCATCCTCAGAATCACTCCATGACAC-3'
Protein context (NP_803187.1, residues 420-440): EDEEIEEKEK[Pro430Ser]ETNFPSPFTN

ClinVar aggregate classification (germline): Uncertain significance. Review status: criteria provided, multiple submitters, no conflicts (2 of 4 stars). 2 submissions from 2 submitters: Uncertain significance (2). Last evaluated 2025-03-24.

Conditions:
DICER1-related tumor predisposition. Also called: DICER1-related pleuropulmonary blastoma cancer predisposition syndrome; DICER1 syndrome. Identifiers: Orphanet 284343, MedGen C3839822, MONDO:0100216.
Hereditary cancer-predisposing syndrome. Also called: Tumor predisposition; Hereditary Cancer Syndrome; Neoplastic Syndromes, Hereditary; Hereditary neoplastic syndrome. Identifiers: Orphanet 140162, MedGen C0027672, MeSH D009386, MONDO:0015356.

gnomAD v4.1: 2 of 1,613,856 alleles (0.00012%); highest among the groups gnomAD compares: South Asian, 0.0022%; no homozygotes.

Submissions (2):

Labcorp Genetics (formerly Invitae), Labcorp
Classification: Uncertain significance for DICER1-related tumor predisposition. Last evaluated: 2025-03-24. Review status: criteria provided, single submitter. Criteria: Invitae Variant Classification Sherloc (09022015). Collection method: clinical testing. Allele origin: germline.
Comment: This sequence change replaces proline, which is neutral and non-polar, with serine, which is neutral and polar, at codon 430 of the DICER1 protein (p.Pro430Ser). This variant is not present in population databases (gnomAD no frequency). This variant has not been reported in the literature in individuals affected with DICER1-related conditions. ClinVar contains an entry for this variant (Variation ID: 1016271). Invitae Evidence Modeling of protein sequence and biophysical properties (such as structural, functional, and spatial information, amino acid conservation, physicochemical variation, residue mobility, and thermodynamic stability) indicates that this missense variant is not expected to disrupt DICER1 protein function with a negative predictive value of 95%. In summary, the available evidence is currently insufficient to determine the role of this variant in disease. Therefore, it has been classified as a Variant of Uncertain Significance.

Ambry Genetics
Classification: Uncertain significance for Hereditary cancer-predisposing syndrome. Last evaluated: 2022-09-26. Review status: criteria provided, single submitter. Criteria: Ambry Variant Classification Scheme 2023. Collection method: clinical testing. Allele origin: germline.
Comment: The p.P430S variant (also known as c.1288C>T), located in coding exon 7 of the DICER1 gene, results from a C to T substitution at nucleotide position 1288. The proline at codon 430 is replaced by serine, an amino acid with similar properties. This amino acid position is well conserved in available vertebrate species. In addition, this alteration is predicted to be tolerated by in silico analysis. Since supporting evidence is limited at this time, the clinical significance of this alteration remains unclear.